The following is an entry in ClinVar:

NM_001267550.2(TTN):c.82895C>T (p.Thr27632Ile)

Genes: TTN-AS1 (TTN antisense RNA 1; plus strand), TTN (titin; minus strand). Cytogenetic location: 2q31.2.
Variant type: single nucleotide variant.
Coding change: c.82895C>T on transcript NM_001267550.2 (MANE Select); coding-DNA position 82895, C replaced by T.
Protein change: p.Thr27632Ile; replaces threonine 27632 with isoleucine.
Molecular consequence: missense variant.
Genome position (GRCh38, 1-based): chr2:178,563,237, G>A on the plus strand (C>T on the coding strand, the complement: TTN is on the minus strand). VCF-style: chr2-178563237-G-A. GRCh37 (hg19) VCF-style: chr2-179427964-G-A.
Other names: c.77972C>T, p.Thr25991Ile (NM_001256850.1); c.55700C>T, p.Thr18567Ile (NM_003319.4); c.75191C>T, p.Thr25064Ile (NM_133378.4); c.56075C>T, p.Thr18692Ile (NM_133432.3); c.56276C>T, p.Thr18759Ile (NM_133437.4); short protein forms T27632I, T25064I, T18567I, T18692I, T25991I, T18759I.
Identifiers: ClinVar variation 440372 (VCV000440372.8), dbSNP rs1229009880, ClinGen allele CA349570778.

ClinVar aggregate classification (germline): Uncertain significance (1 of 4 stars; one submission).

Allele frequency attached by ClinVar (database versions not stated): gnomAD exomes below 0.00001.
gnomAD v4.1: 2 of 1,613,714 alleles (0.00012%); highest among the groups gnomAD compares: South Asian, 0.0011%; no homozygotes.

Submission:

ARUP Laboratories, Molecular Genetics and Genomics, ARUP Laboratories
Classification: Uncertain significance. Last evaluated: 2017-05-01. Review status: criteria provided, single submitter. Criteria: ARUP Molecular Germline Variant Investigation Process. Collection method: clinical testing. Allele origin: germline.
Comment: The p.Thr25064Ile variant (dbSNP IS) has not been reported in the medical literature, is not listed in gene-specific variant databases, nor has it been previously identified in our laboratory. It is listed in the Genome Aggregation Database (gnomAD) browser with an overall frequency of 0.0004% (identified in 1 out of 245,204 chromosomes). The threonine at codon 25064 is highly conserved considering 10 species up to Megabat (Alamut software v2.8.1), although computational analyses return mixed results regarding the effect of this variant on TTN protein structure/function (SIFT: damaging, PolyPhen2: benign, and Mutation Taster: disease causing). Thus, based on the available information, the clinical significance of the p.Thr25064Ile variant cannot be determined with certainty.